The following is an entry in ClinVar:

NM_003060.4(SLC22A5):c.1660A>G (p.Ser554Gly)

Gene: SLC22A5 (solute carrier family 22 member 5; plus strand). Cytogenetic location: 5q31.1.
Variant type: single nucleotide variant.
Coding change: c.1660A>G on transcript NM_003060.4 (MANE Select); coding-DNA position 1660, A replaced by G.
Protein change: p.Ser554Gly; replaces serine 554 with glycine.
Molecular consequence: missense variant.
Genome position (GRCh38, 1-based): chr5:132,394,258, A>G. VCF-style: chr5-132394258-A-G. GRCh37 (hg19) VCF-style: chr5-131729950-A-G.
Other names: p.Ser554Gly; c.1732A>G, p.Ser578Gly (NM_001308122.2); short protein forms S554G, S578G.
Identifiers: ClinVar variation 582487 (VCV000582487.8), dbSNP rs1561577867, ClinGen allele CA360810390.
Genomic context (GRCh38, chr5:132,394,258, plus strand): 5'-AAAACTCCAAGTCACACAAGGATGTTAAAAGATGGTCAAGAAAGGCCCACAATCCTTAAA[A>G]GCACAGCCTTCTAACATCGCTTCCAGTAAGGGAGAAACTGAAGAGGAAAGACTGTCTTGC-3'
Protein context (NP_003051.1, residues 544-557): DGQERPTILK[Ser554Gly]TAF

ClinVar aggregate classification (germline): Uncertain significance. Review status: criteria provided, multiple submitters, no conflicts (2 of 4 stars). 3 submissions from 3 submitters: Uncertain significance (2). 1 of the submissions does not count toward it. Last evaluated 2025-09-06.

Conditions:
Decreased circulating carnitine concentration. Also called: Decreased plasma carnitine. Identifiers: MedGen C5848230, HP:0003234.
Renal carnitine transport defect (CDSP). Also called: CARNITINE DEFICIENCY, SYSTEMIC, DUE TO DEFECT IN RENAL REABSORPTION OF CARNITINE; CARNITINE TRANSPORTER, PLASMA-MEMBRANE, DEFICIENCY OF; CARNITINE UPTAKE DEFECT; Carnitine transporter deficiency; Carnitine Deficiency, Systemic; Primary carnitine deficiency. Identifiers: Orphanet 158, MedGen C0342788, MONDO:0008919, OMIM 212140.

Allele frequency attached by ClinVar (database versions not stated): TOPMed 0.00001; gnomAD exomes 0.00002.

Submissions (3):

Mayo Clinic Laboratories, Mayo Clinic
Classification: Uncertain significance. Last evaluated: 2025-09-06. Review status: criteria provided, single submitter. Criteria: ACMG Guidelines, 2015. Collection method: clinical testing. Allele origin: germline. Observed: 1 variant allele.
Comment: BP4_moderate

Labcorp Genetics (formerly Invitae), Labcorp
Classification: Uncertain significance for Renal carnitine transport defect. Last evaluated: 2021-08-27. Review status: criteria provided, single submitter. Criteria: Invitae Variant Classification Sherloc (09022015). Collection method: clinical testing. Allele origin: germline.
Comment: This sequence change replaces serine with glycine at codon 554 of the SLC22A5 protein (p.Ser554Gly). The serine residue is moderately conserved and there is a small physicochemical difference between serine and glycine. This variant is not present in population databases (ExAC no frequency). This variant has not been reported in the literature in individuals affected with SLC22A5-related conditions. Algorithms developed to predict the effect of missense changes on protein structure and function (SIFT, PolyPhen-2, Align-GVGD) all suggest that this variant is likely to be tolerated. Algorithms developed to predict the effect of sequence changes on RNA splicing suggest that this variant may create or strengthen a splice site. In summary, the available evidence is currently insufficient to determine the role of this variant in disease. Therefore, it has been classified as a Variant of Uncertain Significance.

Natera, Inc.
Classification: Uncertain significance for Carnitine deficiency. Last evaluated: 2020-03-20. Review status: no assertion criteria provided. Collection method: clinical testing. Allele origin: germline. Not counted in ClinVar's aggregate classification.